The following is an entry in ClinVar:

ClinVar aggregate classification (germline): Likely benign (1 of 4 stars; one submission).

Submission:

GeneDx
Classification: Likely benign. Last evaluated: 2017-06-23. Review status: criteria provided, single submitter. Criteria: GeneDx Variant Classification (06012015). Collection method: clinical testing. Allele origin: germline. Affected: yes.
Comment: This variant is considered likely benign or benign based on one or more of the following criteria: it is a conservative change, it occurs at a poorly conserved position in the protein, it is predicted to be benign by multiple in silico algorithms, and/or has population frequency not consistent with disease.

NM_001267550.2(TTN):c.37370-12A>G

Gene: TTN (titin; minus strand). Cytogenetic location: 2q31.2.
Variant type: single nucleotide variant.
Coding change: c.37370-12A>G on transcript NM_001267550.2 (MANE Select); 12 bases into the intron before coding-DNA position 37370, A replaced by G.
Molecular consequence: intron variant.
Genome position (GRCh38, 1-based): chr2:178,659,100, T>C on the plus strand (A>G on the coding strand, the complement: TTN is on the minus strand). VCF-style: chr2-178659100-T-C. GRCh37 (hg19) VCF-style: chr2-179523827-T-C.
Other names: c.34439-12A>G (NM_001256850.1); c.13283-16783A>G (NM_003319.4); c.13859-16783A>G (NM_133437.4); c.13658-16783A>G (NM_133432.3); c.31658-12A>G (NM_133378.4).
Identifiers: ClinVar variation 510519 (VCV000510519.1), dbSNP rs1553782234, ClinGen allele CA658796066.